The following is an entry in ClinVar:

ClinVar aggregate classification (germline): Pathogenic/Likely pathogenic. Review status: criteria provided, multiple submitters, no conflicts (2 of 4 stars). 7 submissions from 7 submitters: Pathogenic (5); Likely pathogenic (1). 1 of the submissions does not count toward it. Last evaluated 2026-03-25.

Conditions:
Classic homocystinuria. Also called: Homocystinuria due to Cystathionine Beta-Synthase Deficiency; HOMOCYSTINURIA WITH OR WITHOUT RESPONSE TO PYRIDOXINE; Homocystinuria due to CBS deficiency; Cystathionine beta-synthase deficiency; CBS deficiency. Identifiers: Orphanet 394, MedGen C0751202, MONDO:0009352, OMIM 236200.
Homocystinuria. Identifiers: MedGen C0019880, MONDO:0004737, HP:0002156.
HYPERHOMOCYSTEINEMIA, THROMBOTIC, CBS-RELATED. Identifiers: MedGen C3150344, OMIM 236200.

Allele frequency attached by ClinVar (database versions not stated): gnomAD exomes 0.00002; ExAC 0.00003.

Submissions (7):

GeneDx
Classification: Pathogenic. Last evaluated: 2026-03-25. Review status: criteria provided, single submitter. Criteria: GeneDx Variant Classification Process June 2021. Collection method: clinical testing. Allele origin: germline.
Comment: Observed with a second pathogenic variant (phase unknown) in two patients with CBS deficiency (PMID: 9361025); Published functional studies demonstrate a damaging effect on CBS enzyme function (PMID: 9361025, 22267502); Not observed at a significant frequency in large population cohorts (gnomAD); In silico analysis, which includes protein predictors and evolutionary conservation, supports a deleterious effect; This variant is associated with the following publications: (PMID: 20455263, 20066033, 15192637, 22267502, 9361025, 14635102, 11343305)

Natera, Inc.
Classification: Likely pathogenic for Homocystinuria due to cystathionine beta-synthase deficiency. Last evaluated: 2025-10-30. Review status: criteria provided, single submitter. Criteria: Natera Variant Classification Schema (03/2026). Collection method: clinical testing. Allele origin: germline.
Comment: The c.959T>C variant in CBS is a missense variant predicted to cause substitution of valine to alanine at amino acid 320. This variant is rare in the general population with a frequency below the threshold expected for the associated phenotype(s). This variant has been observed in one or more individuals affected with the associated recessive disease, as either homozygous or compound heterozygous with a second variant (PMID: 9361025, 14635102). This variant has been identified in one or more affected individuals with a phenotype highly consistent with the associated gene (PMID:14635102). Computational prediction algorithms indicate this variant is likely to affect gene or protein function. Given the available evidence, this variant is classified as Likely Pathogenic.

Labcorp Genetics (formerly Invitae), Labcorp
Classification: Pathogenic for HYPERHOMOCYSTEINEMIA, THROMBOTIC, CBS-RELATED. Last evaluated: 2024-12-23. Review status: criteria provided, single submitter. Criteria: Invitae Variant Classification Sherloc (09022015). Collection method: clinical testing. Allele origin: germline.
Comment: This sequence change replaces valine, which is neutral and non-polar, with alanine, which is neutral and non-polar, at codon 320 of the CBS protein (p.Val320Ala). This variant is present in population databases (rs781567152, gnomAD 0.004%). This missense change has been observed in individual(s) with CBS-related conditions (PMID: 9361025, 14635102). In at least one individual the data is consistent with being in trans (on the opposite chromosome) from a pathogenic variant. ClinVar contains an entry for this variant (Variation ID: 371028). Invitae Evidence Modeling of protein sequence and biophysical properties (such as structural, functional, and spatial information, amino acid conservation, physicochemical variation, residue mobility, and thermodynamic stability) indicates that this missense variant is expected to disrupt CBS protein function with a positive predictive value of 95%. Experimental studies have shown that this missense change affects CBS function (PMID: 9361025, 14635102). For these reasons, this variant has been classified as Pathogenic.

Baylor Genetics
Classification: Pathogenic for Classic homocystinuria. Last evaluated: 2023-09-24. Review status: criteria provided, single submitter. Criteria: ACMG Guidelines, 2015. Collection method: clinical testing. Allele origin: unknown.

Women's Health and Genetics/Laboratory Corporation of America, LabCorp
Classification: Pathogenic for Homocystinuria. Last evaluated: 2021-09-27. Review status: criteria provided, single submitter. Criteria: LabCorp Variant Classification Summary - May 2015. Collection method: clinical testing. Allele origin: germline.
Comment: Variant summary: CBS c.959T>C (p.Val320Ala) results in a non-conservative amino acid change located in the Pyridoxal-phosphate dependent enzyme domain of the encoded protein sequence. Five of five in-silico tools predict a damaging effect of the variant on protein function. The variant allele was found at a frequency of 1.6e-05 in 245462 control chromosomes (gnomAD and publication). c.959T>C has been reported in the literature in individuals affected with Homocystinuria (Guttormsen_2001, Kruger_2003). These data indicate that the variant is likely to be associated with disease. Multiple publications have assessed the variant for functional implications, which showed that the most pronounced variant effect results in <10% of normal activity (Kim_1997, Kruger_2003, Singh_2010, Mayfield_2012). Two clinical diagnostic laboratories have submitted clinical-significance assessments for this variant to ClinVar after 2014 without evidence for independent evaluation. All laboratories classified the variant as pathogenic/likely pathogenic. Based on the evidence outlined above, the variant was classified as pathogenic.

ARUP Laboratories, Molecular Genetics and Genomics, ARUP Laboratories
Classification: Pathogenic. Last evaluated: 2018-10-01. Review status: criteria provided, single submitter. Criteria: ARUP Molecular Germline Variant Investigation Process. Collection method: clinical testing. Allele origin: germline.
Comment: The CBS c.959T>C; p.Val320Ala variant (rs781567152) is reported in the literature in multiple individuals affected with homocystinuria in both the homozygous state and in individuals with a second pathogenic variant (Kim 1997, Kruger 2003). This variant is reported in ClinVar (Variation ID: 371028), and it is found on only four chromosomes in the Genome Aggregation Database, indicating it is not a common polymorphism. Another variant at this codon (p.Val320Gly) has been reported in an individual with homocystinuria and is considered pathogenic (Lu 2012). The valine at codon 320 is moderately conserved, and computational analyses (SIFT, PolyPhen-2) predict that the p.Val320Ala variant is deleterious. Consistent with these predictions, functional analyses demonstrate that the p.Val320Ala variant exhibits significantly lower enzymatic activity than wildtype protein (Kruger 2003, Singh 2010) and fails to rescue yeast growth on media lacking a source of cysteine (Kim 1997, Mayfield 2012). Based on available information, this variant is considered to be pathogenic. References: Kim CE et al. Functional modeling of vitamin responsiveness in yeast: a common pyridoxine-responsive cystathionine beta-synthase mutation in homocystinuria. Hum Mol Genet. 1997 Dec;6(13):2213-21. Kruger WD et al. Cystathionine beta-synthase deficiency in Georgia (USA): correlation of clinical and biochemical phenotype with genotype. Hum Mutat. 2003 Dec;22(6):434-41. Lu YH et al. Homocystinuria in Taiwan: an inordinately high prevalence in an Austronesian aboriginal tribe, Tao. Mol Genet Metab. 2012 Apr;105(4):590-5. Mayfield JA et al. Surrogate genetics and metabolic profiling for characterization of human disease alleles. Genetics. 2012 Apr;190(4):1309-23. Singh LR et al. Activation of mutant enzyme function in vivo by proteasome inhibitors and treatments that induce Hsp70. PLoS Genet. 2010 Jan;6(1):e1000807.

Counsyl
Classification: Likely pathogenic for Classic homocystinuria. Last evaluated: 2016-06-10. Review status: no assertion criteria provided. Collection method: clinical testing. Allele origin: unknown. Not counted in ClinVar's aggregate classification.

Literature cited by the submitters: PubMed 9361025 (cited by 4 submitters); PubMed 14635102 (cited by 4 submitters); PubMed 22267502 (cited by Women's Health and Genetics/Laboratory Corporation of America, LabCorp and Counsyl); PubMed 11343305 (cited by Women's Health and Genetics/Laboratory Corporation of America, LabCorp and Counsyl); PubMed 20066033 (cited by Women's Health and Genetics/Laboratory Corporation of America, LabCorp and Counsyl).

NM_000071.3(CBS):c.959T>C (p.Val320Ala)

Gene: CBS (cystathionine beta-synthase; minus strand). Cytogenetic location: 21q22.3.
Variant type: single nucleotide variant.
Coding change: c.959T>C on transcript NM_000071.3 (MANE Select); coding-DNA position 959, T replaced by C.
Protein change: p.Val320Ala; replaces valine 320 with alanine.
Molecular consequence: missense variant.
Genome position (GRCh38, 1-based): chr21:43,062,391, A>G on the plus strand (T>C on the coding strand, the complement: CBS is on the minus strand). VCF-style: chr21-43062391-A-G. GRCh37 (hg19) VCF-style: chr21-44482501-A-G.
Other names: c.959T>C, p.Val320Ala (NM_001178008.3, NM_001178009.3, NM_001320298.2); c.644T>C, p.Val215Ala (NM_001321072.1); short protein forms V320A, V215A.
Identifiers: ClinVar variation 371028 (VCV000371028.21), dbSNP rs781567152, ClinGen allele CA16041998.